The following is an entry in ClinVar:

ClinVar aggregate classification (germline): Uncertain significance (1 of 4 stars; one submission).

gnomAD v4.1: 5 of 1,613,168 alleles (0.00031%); highest among the groups gnomAD compares: East Asian, 0.0022%; no homozygotes.

Submission:

GeneDx
Classification: Uncertain significance. Last evaluated: 2025-04-09. Review status: criteria provided, single submitter. Criteria: GeneDx Variant Classification Process June 2021. Collection method: clinical testing. Allele origin: germline. Affected: yes.
Comment: Not observed at significant frequency in large population cohorts (gnomAD); In silico analysis supports that this missense variant has a deleterious effect on protein structure/function; Has not been previously published as pathogenic or benign to our knowledge

NM_001377299.1(NDUFS2):c.1388G>A (p.Arg463Gln)

Gene: NDUFS2 (NADH:ubiquinone oxidoreductase core subunit S2; plus strand). Cytogenetic location: 1q23.3.
Variant type: single nucleotide variant.
Coding change: c.1388G>A on transcript NM_001377299.1 (MANE Select); coding-DNA position 1388, G replaced by A.
Protein change: p.Arg463Gln; replaces arginine 463 with glutamine.
Molecular consequence: missense variant. On other transcripts: 3 prime UTR variant (4), non-coding transcript variant (1).
Genome position (GRCh38, 1-based): chr1:161,214,189, G>A. VCF-style: chr1-161214189-G-A. GRCh37 (hg19) VCF-style: chr1-161183979-G-A.
Other names: c.*248G>A (NM_001166159.2, NM_001377300.1, NM_001377301.1); c.1388G>A, p.Arg463Gln (NM_001377298.1, NM_004550.5); c.*39G>A (NM_001377302.1); c.1310G>A, p.Arg437Gln (NM_001410889.1); short protein forms R437Q, R463Q.
Identifiers: ClinVar variation 4281901 (VCV004281901.1).
Genomic context (GRCh38, chr1:161,214,189, plus strand): 5'-ACTTTTTTCCTCCATCCTCTCACCTAGGTACCCAAGATATTGTATTTGGAGAAGTAGATC[G>A]GTGAGCAGGGGAGCAGCGTTTGATCCCCCCTGCCTATCAGCTTCTTCTGTGGAGCCTGTT-3'
Protein context (NP_001364228.1, residues 453-463): TQDIVFGEVD[Arg463Gln]